The following is an entry in ClinVar:

NM_001370100.5(ZMYND11):c.1081A>G (p.Arg361Gly)

Gene: ZMYND11 (zinc finger MYND-type containing 11; plus strand). Cytogenetic location: 10p15.3.
Variant type: single nucleotide variant.
Coding change: c.1081A>G on transcript NM_001370100.5 (MANE Select); coding-DNA position 1081, A replaced by G.
Protein change: p.Arg361Gly; replaces arginine 361 with glycine.
Molecular consequence: missense variant. On other transcripts: non-coding transcript variant (1).
Genome position (GRCh38, 1-based): chr10:246,896, A>G. VCF-style: chr10-246896-A-G. GRCh37 (hg19) VCF-style: chr10-292836-A-G.
Other names: c.919A>G, p.Arg307Gly (NM_001202464.3, NM_001202467.1, NM_001370103.2 and 6 more transcripts); c.826A>G, p.Arg276Gly (NM_001202465.3, NM_001370110.2); c.916A>G, p.Arg306Gly (NM_001202466.3, NM_001370111.2); c.1081A>G, p.Arg361Gly (NM_001202468.1, NM_001370097.3, NM_001370098.2 and 5 more transcripts); c.1030A>G, p.Arg344Gly (NM_001330057.3, NM_001370112.2); c.988A>G, p.Arg330Gly (NM_001370113.2, NM_001370114.2); c.1078A>G, p.Arg360Gly (NM_001370115.2, NM_212479.4); c.1015A>G, p.Arg339Gly (NM_001370116.2); and 7 more; short protein forms R204G, R242G, R259G, R267G, R276G, R285G, R306G, R307G.
Identifiers: ClinVar variation 3900182 (VCV003900182.1).

ClinVar aggregate classification (germline): Uncertain significance (1 of 4 stars; one submission).

Submission:

GeneDx
Classification: Uncertain significance. Last evaluated: 2024-11-24. Review status: criteria provided, single submitter. Criteria: GeneDx Variant Classification Process June 2021. Collection method: clinical testing. Allele origin: germline. Affected: yes.
Comment: Not observed at significant frequency in large population cohorts (gnomAD); In silico analysis supports that this missense variant has a deleterious effect on protein structure/function; Has not been previously published as pathogenic or benign to our knowledge